The following is an entry in ClinVar:

ClinVar aggregate classification (germline): Likely pathogenic (1 of 4 stars; one submission).

Submission:

GeneDx
Classification: Likely pathogenic. Last evaluated: 2020-04-08. Review status: criteria provided, single submitter. Criteria: GeneDx Variant Classification Process June 2021. Collection method: clinical testing. Allele origin: germline. Affected: yes.
Comment: Not observed in large population cohorts (Lek et al., 2016); Missense variants in this gene are often considered pathogenic (Stenson et al., 2014); In silico analysis supports that this missense variant does not alter protein structure/function; Has not been previously published as pathogenic or benign to our knowledge

NM_001101.5(ACTB):c.1045C>G (p.Leu349Val)

Gene: ACTB (actin beta; minus strand). Cytogenetic location: 7p22.1.
Variant type: single nucleotide variant.
Coding change: c.1045C>G on transcript NM_001101.5 (MANE Select); coding-DNA position 1045, C replaced by G.
Protein change: p.Leu349Val; replaces leucine 349 with valine.
Molecular consequence: missense variant.
Genome position (GRCh38, 1-based): chr7:5,527,831, G>C on the plus strand (C>G on the coding strand, the complement: ACTB is on the minus strand). VCF-style: chr7-5527831-G-C. GRCh37 (hg19) VCF-style: chr7-5567462-G-C.
Other names: short protein forms L349V.
Identifiers: ClinVar variation 1200439 (VCV001200439.3), dbSNP rs1584261177, ClinGen allele CA366699228.